The following is an entry in ClinVar:

ClinVar aggregate classification (germline): Uncertain significance. Review status: criteria provided, multiple submitters, no conflicts (2 of 4 stars). 2 submissions from 2 submitters: Uncertain significance (2). Last evaluated 2025-12-17.

Conditions:
Inborn genetic diseases. Identifiers: MedGen C0950123, MeSH D030342.
PKD1-related disorder. Also called: PKD1-related condition.

gnomAD v4.1: 23 of 1,611,384 alleles (0.0014%); highest among the groups gnomAD compares: Non-Finnish European, 0.0019%; no homozygotes.

Submissions (2):

PreventionGenetics, part of Exact Sciences
Classification: Uncertain significance for PKD1-related condition. Last evaluated: 2025-12-17. Review status: criteria provided, single submitter. Criteria: ACMG Guidelines, 2015. Collection method: clinical testing. Allele origin: germline.
Comment: The PKD1 c.3776C>T variant is predicted to result in the amino acid substitution p.Thr1259Ile. To our knowledge, this variant has not been reported in the literature. This variant is reported in 0.0065% of alleles in individuals of European (Non-Finnish) descent in gnomAD. At this time, the clinical significance of this variant is uncertain due to the absence of conclusive functional and genetic evidence.

Ambry Genetics
Classification: Uncertain significance for Inborn genetic diseases. Last evaluated: 2025-08-30. Review status: criteria provided, single submitter. Criteria: Ambry Variant Classification Scheme 2023. Collection method: clinical testing. Allele origin: germline.

NM_001009944.3(PKD1):c.3776C>T (p.Thr1259Ile)

Gene: PKD1 (polycystin 1, transient receptor potential channel interacting; minus strand). Cytogenetic location: 16p13.3.
Variant type: single nucleotide variant.
Coding change: c.3776C>T on transcript NM_001009944.3 (MANE Select); coding-DNA position 3776, C replaced by T.
Protein change: p.Thr1259Ile; replaces threonine 1259 with isoleucine.
Molecular consequence: missense variant.
Genome position (GRCh38, 1-based): chr16:2,111,391, G>A on the plus strand (C>T on the coding strand, the complement: PKD1 is on the minus strand). VCF-style: chr16-2111391-G-A. GRCh37 (hg19) VCF-style: chr16-2161392-G-A.
Other names: c.3776C>T, p.Thr1259Ile (NM_000296.4); short protein forms T1259I.
Identifiers: ClinVar variation 4137490 (VCV004137490.2).